The following is an entry in ClinVar:

NM_001164508.2(NEB):c.18040C>T (p.Gln6014Ter)

Gene: NEB (nebulin; minus strand). Cytogenetic location: 2q23.3.
Variant type: single nucleotide variant.
Coding change: c.18040C>T on transcript NM_001164508.2 (MANE Select); coding-DNA position 18040, C replaced by T.
Protein change: p.Gln6014Ter; replaces glutamine 6014 with a stop codon.
Molecular consequence: nonsense.
Genome position (GRCh38, 1-based): chr2:151,567,284, G>A on the plus strand (C>T on the coding strand, the complement: NEB is on the minus strand). VCF-style: chr2-151567284-G-A. GRCh37 (hg19) VCF-style: chr2-152423798-G-A.
Other names: c.18040C>T (NM_001271208.1); c.18040C>T, p.Gln6014Ter (NM_001164507.2, NM_001271208.2); c.12937C>T, p.Gln4313Ter (NM_004543.5); short protein forms Q4313*, Q6014*.
Identifiers: ClinVar variation 1072057 (VCV001072057.8), dbSNP rs2153739049, ClinGen allele CA348803316.

ClinVar aggregate classification (germline): Pathogenic/Likely pathogenic. Review status: criteria provided, multiple submitters, no conflicts (2 of 4 stars). 2 submissions from 2 submitters: Pathogenic (1); Likely pathogenic (1). Last evaluated 2024-09-08.

Conditions:
Nemaline myopathy 2 (NEM2). Also called: Nemaline myopathy 2, autosomal recessive. Identifiers: MedGen C1850569, MONDO:0009725, OMIM 256030.

Submissions (2):

Natera, Inc.
Classification: Likely pathogenic for Nemaline myopathy type 2. Last evaluated: 2024-09-08. Review status: criteria provided, single submitter. Criteria: Natera Variant Classification Schema (03/2026). Collection method: clinical testing. Allele origin: germline.
Comment: The c.18040C>T variant in NEB is a nonsense variant predicted to introduce a stop codon at amino acid 6014. This variant is expected to result in nonsense mediated decay, truncation, or a dysfunctional protein product. This variant is rare in the general population with a frequency below the threshold expected for the associated phenotype(s). Given the available evidence, this variant is classified as Likely Pathogenic.

Labcorp Genetics (formerly Invitae), Labcorp
Classification: Pathogenic for Nemaline myopathy 2. Last evaluated: 2022-01-11. Review status: criteria provided, single submitter. Criteria: Invitae Variant Classification Sherloc (09022015). Collection method: clinical testing. Allele origin: germline.
Comment: For these reasons, this variant has been classified as Pathogenic. Algorithms developed to predict the effect of sequence changes on RNA splicing suggest that this variant may create or strengthen a splice site. ClinVar contains an entry for this variant (Variation ID: 1072057). This variant has not been reported in the literature in individuals affected with NEB-related conditions. This variant is not present in population databases (gnomAD no frequency). This sequence change creates a premature translational stop signal (p.Gln6014*) in the NEB gene. It is expected to result in an absent or disrupted protein product. Loss-of-function variants in NEB are known to be pathogenic (PMID: 25205138).

Literature cited by the submitters: PubMed 25205138 (cited by Labcorp Genetics (formerly Invitae), Labcorp).